The following is an entry in ClinVar:

ClinVar aggregate classification (germline): Uncertain significance/Uncertain risk allele. Review status: criteria provided, multiple submitters, no conflicts (2 of 4 stars). 3 submissions from 3 submitters: Uncertain significance (2); Uncertain risk allele (1). Last evaluated 2021-11-30.

Conditions:
Leprechaunism syndrome. Also called: Donohue syndrome; LEPRECHAUNISM. Identifiers: Orphanet 508, MedGen C0265344, MONDO:0009517, OMIM 246200.
Insulin-resistant diabetes mellitus AND acanthosis nigricans. Also called: Insulin-resistance syndrome type A; type A insulin resistance; DIABETES MELLITUS, INSULIN-RESISTANT, WITH ACANTHOSIS NIGRICANS, TYPE A; INSULIN RECEPTOR, DEFECT IN, WITH INSULIN-RESISTANT DIABETES MELLITUS AND ACANTHOSIS NIGRICANS; IRAN, TYPE A. Identifiers: Orphanet 2297, MedGen C0342278, MONDO:0012520, OMIM 610549.
Hyperinsulinism due to INSR deficiency. Also called: Hyperinsulinism due to glutamodehydrogenase deficiency. Identifiers: Orphanet 263458, MedGen C1864952, MONDO:0012381, OMIM 609968.
Rabson-Mendenhall syndrome. Also called: Pineal Hyperplasia, Insulin-Resistant Diabetes Mellitus, and Somatic Abnormalities; Pineal hyperplasia AND diabetes mellitus syndrome; MENDENHALL SYNDROME. Identifiers: Orphanet 769, MedGen C0271695, MONDO:0009874, OMIM 262190.

Allele frequency attached by ClinVar (database versions not stated): gnomAD exomes below 0.00001 and 0.00001; TOPMed below 0.00001; ExAC 0.00001; gnomAD 0.00001.
gnomAD v4.1: 11 of 1,613,980 alleles (0.00068%); highest among the groups gnomAD compares: South Asian, 0.0011%; no homozygotes.

Submissions (3):

Fulgent Genetics
Classification: Uncertain significance for Leprechaunism syndrome; Rabson-Mendenhall syndrome; Hyperinsulinism due to INSR deficiency; Insulin-resistant diabetes mellitus AND acanthosis nigricans. Last evaluated: 2021-11-30. Review status: criteria provided, single submitter. Criteria: ACMG Guidelines, 2015. Collection method: clinical testing. Allele origin: unknown.

Eurofins Ntd Llc (ga)
Classification: Uncertain significance. Last evaluated: 2018-06-21. Review status: criteria provided, single submitter. Criteria: EGL ClinVar v180209 classification definitions. Collection method: clinical testing. Allele origin: germline. Observed: 1 variant allele, 1 heterozygote.

Clinical Genomics, Uppaluri K&H Personalized Medicine Clinic
Classification: Uncertain risk allele for Hyperinsulinism due to INSR deficiency. Review status: criteria provided, single submitter. Criteria: K And H Uppaluri Personalized Medicine Clinic Variant Classification And Assertion Criteria Updated V 2. Collection method: research. Allele origin: unknown. Inheritance: Autosomal dominant inheritance.
Comment: Potent mutations in INSR gene can lead to insulin resistance, which presents as impaired glucose tolerance, early onset type 2 diabetes, post prandial hyperglycemia and increased insulin requirement in type 1 diabetes. These mutations in INSR gene can also predispose to coronary artery disease, metabolic syndrome, polycystic ovarian disease and non alcoholic fatty liver disease.However, the role of this particular variant rs777565396 with early onset diabetes mellitus is yet to be ascertained.

Literature cited by the submitters: PubMed 35000900 (cited by Clinical Genomics, Uppaluri K&H Personalized Medicine Clinic); PubMed 31989990 (cited by Clinical Genomics, Uppaluri K&H Personalized Medicine Clinic); PubMed 23705494 (cited by Clinical Genomics, Uppaluri K&H Personalized Medicine Clinic).

NM_000208.4(INSR):c.2498G>A (p.Arg833Gln)

Gene: INSR (insulin receptor; minus strand). Cytogenetic location: 19p13.2.
Variant type: single nucleotide variant.
Coding change: c.2498G>A on transcript NM_000208.4 (MANE Select); coding-DNA position 2498, G replaced by A.
Protein change: p.Arg833Gln; replaces arginine 833 with glutamine.
Molecular consequence: missense variant.
Genome position (GRCh38, 1-based): chr19:7,142,860, C>T on the plus strand (G>A on the coding strand, the complement: INSR is on the minus strand). VCF-style: chr19-7142860-C-T. GRCh37 (hg19) VCF-style: chr19-7142871-C-T.
Other names: c.2462G>A, p.Arg821Gln (NM_001079817.3); short protein forms R833Q, R821Q.
Identifiers: ClinVar variation 502299 (VCV000502299.8), dbSNP rs777565396, ClinGen allele CA9135535.
Genomic context (GRCh38, chr19:7,142,860, plus strand): 5'-GGAGCAGCAGCCCTACCTTCAGGCATGGTCCTCGCACTGACGTAGGCTGCCACACTGCAC[C>T]GTTCCTCAGGGGTGTCCTGGTTGCAAGCCTGCAGCTCGATGCGATAGCCCGTGAAGTGTC-3'
Protein context (NP_000199.2, residues 823-843): QACNQDTPEE[Arg833Gln]CSVAAYVSAR